The following is an entry in ClinVar:

ClinVar aggregate classification (germline): Pathogenic (1 of 4 stars; one submission).

Conditions:
Hawkinsinuria. Identifiers: Orphanet 2118, MedGen C2931042, MONDO:0007700, OMIM 140350, HP:0034457.
Tyrosinemia type III. Also called: Tyrosinemia type 3; 4-alpha hydroxyphenylpyruvic acid oxidase deficiency; 4-alpha hydroxyphenylpyruvate dioxygenase deficiency; 4-Hydroxyphenylpyruvate dioxygenase deficiency; 4-HYDROXYPHENYLPYRUVIC ACID OXIDASE DEFICIENCY. Identifiers: Orphanet 69723, MedGen C0268623, MONDO:0010162, OMIM 276710.

Submission:

Labcorp Genetics (formerly Invitae), Labcorp
Classification: Pathogenic for Tyrosinemia type III; Hawkinsinuria. Last evaluated: 2023-02-22. Review status: criteria provided, single submitter. Criteria: Invitae Variant Classification Sherloc (09022015). Collection method: clinical testing. Allele origin: germline.
Comment: For these reasons, this variant has been classified as Pathogenic. This variant has not been reported in the literature in individuals affected with HPD-related conditions. This variant is present in population databases (no rsID available, gnomAD 0.007%). This sequence change creates a premature translational stop signal (p.His85Argfs*8) in the HPD gene. It is expected to result in an absent or disrupted protein product. Loss-of-function variants in HPD are known to be pathogenic (PMID: 10942115, 23036342).

Literature cited by the submitters: PubMed 10942115; PubMed 23036342.

NM_002150.3(HPD):c.250_253dup (p.His85fs)

Genes: TIALD (transcript inducer of AURKA lysosomal degradation; plus strand), HPD (4-hydroxyphenylpyruvate dioxygenase; minus strand), LOC126861662 (MED14-independent group 3 enhancer GRCh37_chr12:122293687-122294886; plus strand). Cytogenetic location: 12q24.31.
Variant type: Duplication.
Coding change: c.250_253dup on transcript NM_002150.3 (MANE Select); coding-DNA positions 250 to 253, 4 bases duplicated (GATC; older notation c.250_253dupGATC).
Protein change: p.His85fs; shifts the reading frame from histidine 85.
Molecular consequence: frameshift variant.
Genome position (GRCh38, 1-based): chr12:121,856,395-121,856,398, GATC duplicated on the plus strand (GATC on the coding strand, the reverse complement: HPD is on the minus strand); duplicating any 4 consecutive bases within chr12:121,856,395-121,856,399 gives the same sequence; the c. name uses the placement nearest the transcript's 3' end. VCF-style (leftmost placement, unchanged base first): chr12-121856394-T-TGATC. GRCh37 (hg19) VCF-style: chr12-122294300-T-TGATC.
Other names: c.133_136dup, p.His46fs (NM_001171993.2); short protein forms H46fs, H85fs.
Identifiers: ClinVar variation 2939489 (VCV002939489.3), dbSNP rs1386803894, ClinGen allele CA608061815.
Genomic context (GRCh38, chr12:121,856,394, plus strand): 5'-TAGTCACAATCTTCCACCTCGAACGCAATGTCCTTCACTCCGTCACCGTGTTTCACCAGG[T>TGATC]GATCGCCCATCTCTGTGGCCGGCAGGGAGAGGATGGCACTGGAGTCTGGAGTCTAGGTCC-3'